The following is an entry in ClinVar:

NM_014314.4(RIGI):c.236A>G (p.His79Arg)

Gene: RIGI (RNA sensor RIG-I; minus strand). Cytogenetic location: 9p21.1.
Variant type: single nucleotide variant.
Coding change: c.236A>G on transcript NM_014314.4 (MANE Select); coding-DNA position 236, A replaced by G.
Protein change: p.His79Arg; replaces histidine 79 with arginine.
Molecular consequence: missense variant. On other transcripts: 5 prime UTR variant (3).
Genome position (GRCh38, 1-based): chr9:32,500,810, T>C on the plus strand (A>G on the coding strand, the complement: RIGI is on the minus strand). VCF-style: chr9-32500810-T-C. GRCh37 (hg19) VCF-style: chr9-32500808-T-C.
Other names: c.236A>G, p.His79Arg (NM_001385907.1, NM_001385909.1, NM_001385913.1); c.-219A>G (NM_001385910.1, NM_001385914.1); c.-226A>G (NM_001385912.1); short protein forms H79R.
Identifiers: ClinVar variation 2146900 (VCV002146900.4), dbSNP rs1235561880, ClinGen allele CA373142787.

ClinVar aggregate classification (germline): Uncertain significance (1 of 4 stars; one submission).

Allele frequency attached by ClinVar (database versions not stated): gnomAD exomes below 0.00001; gnomAD 0.00001; TOPMed 0.00001.
gnomAD v4.1: 5 of 1,612,302 alleles (0.00031%); highest among the groups gnomAD compares: Admixed American, 0.0034%; no homozygotes.

Submission:

Labcorp Genetics (formerly Invitae), Labcorp
Classification: Uncertain significance. Last evaluated: 2024-11-25. Review status: criteria provided, single submitter. Criteria: Invitae Variant Classification Sherloc (09022015). Collection method: clinical testing. Allele origin: germline.
Comment: This sequence change replaces histidine, which is basic and polar, with arginine, which is basic and polar, at codon 79 of the DDX58 protein (p.His79Arg). This variant is present in population databases (no rsID available, gnomAD 0.0009%). This variant has not been reported in the literature in individuals affected with DDX58-related conditions. ClinVar contains an entry for this variant (Variation ID: 2146900). An algorithm developed to predict the effect of missense changes on protein structure and function (PolyPhen-2) suggests that this variant is likely to be tolerated. In summary, the available evidence is currently insufficient to determine the role of this variant in disease. Therefore, it has been classified as a Variant of Uncertain Significance.